The following is an entry in ClinVar:

ClinVar aggregate classification (germline): Uncertain significance (1 of 4 stars; one submission).

Allele frequency attached by ClinVar (database versions not stated): gnomAD 0.00001; TOPMed 0.00001; ExAC 0.00002.
gnomAD v4.1: 8 of 1,602,122 alleles (0.0005%); highest among the groups gnomAD compares: Middle Eastern, 0.016%; no homozygotes.

Submission:

Labcorp Genetics (formerly Invitae), Labcorp
Classification: Uncertain significance. Last evaluated: 2025-12-19. Review status: criteria provided, single submitter. Criteria: Invitae Variant Classification Sherloc (09022015). Collection method: clinical testing. Allele origin: germline.
Comment: This sequence change replaces aspartic acid, which is acidic and polar, with valine, which is neutral and non-polar, at codon 434 of the PLEKHM2 protein (p.Asp434Val). This variant is present in population databases (rs779234842, gnomAD 0.001%). This variant has not been reported in the literature in individuals affected with PLEKHM2-related conditions. ClinVar contains an entry for this variant (Variation ID: 2174259). An algorithm developed to predict the effect of missense changes on protein structure and function (PolyPhen-2) suggests that this variant is likely to be tolerated. In summary, the available evidence is currently insufficient to determine the role of this variant in disease. Therefore, it has been classified as a Variant of Uncertain Significance.

NM_015164.4(PLEKHM2):c.1301A>T (p.Asp434Val)

Gene: PLEKHM2 (pleckstrin homology and RUN domain containing M2; plus strand). Cytogenetic location: 1p36.21.
Variant type: single nucleotide variant.
Coding change: c.1301A>T on transcript NM_015164.4 (MANE Select); coding-DNA position 1301, A replaced by T.
Protein change: p.Asp434Val; replaces aspartic acid 434 with valine.
Molecular consequence: missense variant.
Genome position (GRCh38, 1-based): chr1:15,727,373, A>T. VCF-style: chr1-15727373-A-T. GRCh37 (hg19) VCF-style: chr1-16053868-A-T.
Other names: c.1241A>T, p.Asp414Val (NM_001410755.1); short protein forms D414V, D434V.
Identifiers: ClinVar variation 2174259 (VCV002174259.4), dbSNP rs779234842, ClinGen allele CA616907.